The following is an entry in ClinVar:

NM_001367823.1(ARHGEF18):c.1552G>C (p.Glu518Gln)

Gene: ARHGEF18 (Rho/Rac guanine nucleotide exchange factor 18; plus strand). Cytogenetic location: 19p13.2.
Variant type: single nucleotide variant.
Coding change: c.1552G>C on transcript NM_001367823.1 (MANE Select); coding-DNA position 1552, G replaced by C.
Protein change: p.Glu518Gln; replaces glutamic acid 518 with glutamine.
Molecular consequence: missense variant.
Genome position (GRCh38, 1-based): chr19:7,444,395, G>C. VCF-style: chr19-7444395-G-C. GRCh37 (hg19) VCF-style: chr19-7509281-G-C.
Other names: c.826G>C, p.Glu276Gln (NM_001130955.2); c.514G>C, p.Glu172Gln (NM_001367824.1, NM_015318.4); short protein forms E276Q, E518Q, E172Q.
Identifiers: ClinVar variation 963813 (VCV000963813.9), dbSNP rs1974864217, ClinGen allele CA403104071.

ClinVar aggregate classification (germline): Uncertain significance (1 of 4 stars; one submission).

Submission:

Labcorp Genetics (formerly Invitae), Labcorp
Classification: Uncertain significance. Last evaluated: 2022-07-26. Review status: criteria provided, single submitter. Criteria: Invitae Variant Classification Sherloc (09022015). Collection method: clinical testing. Allele origin: germline.
Comment: This sequence change replaces glutamic acid, which is acidic and polar, with glutamine, which is neutral and polar, at codon 330 of the ARHGEF18 protein (p.Glu330Gln). This variant is not present in population databases (gnomAD no frequency). This variant has not been reported in the literature in individuals affected with ARHGEF18-related conditions. ClinVar contains an entry for this variant (Variation ID: 963813). Algorithms developed to predict the effect of missense changes on protein structure and function are either unavailable or do not agree on the potential impact of this missense change (SIFT: "Deleterious"; PolyPhen-2: "Probably Damaging"; Align-GVGD: "Class C0"). In summary, the available evidence is currently insufficient to determine the role of this variant in disease. Therefore, it has been classified as a Variant of Uncertain Significance.